The following is an entry in ClinVar:

ClinVar aggregate classification (germline): Uncertain significance (1 of 4 stars; one submission).

Conditions:
Wilms tumor 1 (WT1). Also called: Wilms tumor, somatic. Identifiers: Orphanet 654, MedGen CN033288, MONDO:0008679, OMIM 194070.

Allele frequency attached by ClinVar (database versions not stated): ExAC 0.00001; gnomAD exomes 0.00001.

Submission:

Labcorp Genetics (formerly Invitae), Labcorp
Classification: Uncertain significance for Wilms tumor 1. Last evaluated: 2017-03-23. Review status: criteria provided, single submitter. Criteria: Invitae Variant Classification Sherloc (09022015). Collection method: clinical testing. Allele origin: germline.
Comment: In summary, this variant is a novel missense change that is not predicted to affect protein function. There is no indication that it causes disease, but the available evidence is currently insufficient to prove that conclusively. Therefore, it has been classified as a Variant of Uncertain Significance. Algorithms developed to predict the effect of missense changes on protein structure and function output the following: SIFT: "Tolerated"; PolyPhen-2: "Benign"; Align-GVGD: "Class C0". The isoleucine amino acid residue is found in multiple mammalian species, suggesting that this missense change does not adversely affect protein function. These predictions have not been confirmed by published functional studies. The frequency data for this variant (rs769104574) in the population databases is unreliable, as metrics indicate poor quality at this position in the ExAC database. This variant has not been reported in the literature in individuals with a GPC3-related disease. This sequence change replaces methionine with isoleucine at codon 183 of the GPC3 protein (p.Met183Ile). The methionine residue is weakly conserved and there is a small physicochemical difference between methionine and isoleucine.

NM_004484.4(GPC3):c.549G>T (p.Met183Ile)

Gene: GPC3 (glypican 3; minus strand). Cytogenetic location: Xq26.2.
Variant type: single nucleotide variant.
Coding change: c.549G>T on transcript NM_004484.4 (MANE Select); coding-DNA position 549, G replaced by T.
Protein change: p.Met183Ile; replaces methionine 183 with isoleucine.
Molecular consequence: missense variant.
Genome position (GRCh38, 1-based): chrX:133,753,965, C>A on the plus strand (G>T on the coding strand, the complement: GPC3 is on the minus strand). VCF-style: chrX-133753965-C-A. GRCh37 (hg19) VCF-style: chrX-132887992-C-A.
Other names: c.549G>T, p.Met183Ile (NM_001164617.2); c.501G>T, p.Met167Ile (NM_001164618.2); c.387G>T, p.Met129Ile (NM_001164619.2); short protein forms M183I, M167I, M129I.
Identifiers: ClinVar variation 476658 (VCV000476658.9), dbSNP rs769104574, ClinGen allele CA10520823.